The following is an entry in ClinVar:

NM_006206.6(PDGFRA):c.3216G>T (p.Met1072Ile)

Gene: PDGFRA (platelet derived growth factor receptor alpha; plus strand). Cytogenetic location: 4q12.
Variant type: single nucleotide variant.
Coding change: c.3216G>T on transcript NM_006206.6 (MANE Select); coding-DNA position 3216, G replaced by T.
Protein change: p.Met1072Ile; replaces methionine 1072 with isoleucine.
Molecular consequence: missense variant.
Genome position (GRCh38, 1-based): chr4:54,295,218, G>T. VCF-style: chr4-54295218-G-T. GRCh37 (hg19) VCF-style: chr4-55161385-G-T.
Other names: c.3291G>T, p.Met1097Ile (NM_001347828.2); c.3216G>T, p.Met1072Ile (NM_001347829.2); c.3255G>T, p.Met1085Ile (NM_001347830.2); short protein forms M1072I, M1085I, M1097I.
Identifiers: ClinVar variation 844637 (VCV000844637.11), dbSNP rs1410475168, ClinGen allele CA356896649.

ClinVar aggregate classification (germline): Uncertain significance. Review status: criteria provided, multiple submitters, no conflicts (2 of 4 stars). 2 submissions from 2 submitters: Uncertain significance (2). Last evaluated 2026-03-06.

Conditions:
Hereditary cancer-predisposing syndrome. Also called: Neoplastic Syndromes, Hereditary; Tumor predisposition; Hereditary Cancer Syndrome; Hereditary neoplastic syndrome. Identifiers: Orphanet 140162, MedGen C0027672, MeSH D009386, MONDO:0015356.
Gastrointestinal stromal tumor. Also called: Gastrointestinal stromal tumor, somatic; Gastrointestinal stroma tumor. Identifiers: Orphanet 44890, MedGen C0238198, MeSH D046152, MONDO:0011719, OMIM 606764, HP:0100723.

Allele frequency attached by ClinVar (database versions not stated): TOPMed 0.00001.

Submissions (2):

Ambry Genetics
Classification: Uncertain significance for Hereditary cancer-predisposing syndrome. Last evaluated: 2026-03-06. Review status: criteria provided, single submitter. Criteria: Ambry Variant Classification Scheme 2023. Collection method: clinical testing. Allele origin: germline.
Comment: The p.M1072I variant (also known as c.3216G>T), located in coding exon 22 of the PDGFRA gene, results from a G to T substitution at nucleotide position 3216. The methionine at codon 1072 is replaced by isoleucine, an amino acid with highly similar properties. This amino acid position is not well conserved in available vertebrate species. In addition, this alteration is predicted to be tolerated by in silico analysis. Based on the available evidence, the clinical significance of this variant remains unclear.

Labcorp Genetics (formerly Invitae), Labcorp
Classification: Uncertain significance for Gastrointestinal stromal tumor. Last evaluated: 2024-10-13. Review status: criteria provided, single submitter. Criteria: Invitae Variant Classification Sherloc (09022015). Collection method: clinical testing. Allele origin: germline.
Comment: This sequence change replaces methionine, which is neutral and non-polar, with isoleucine, which is neutral and non-polar, at codon 1072 of the PDGFRA protein (p.Met1072Ile). This variant is not present in population databases (gnomAD no frequency). This variant has not been reported in the literature in individuals affected with PDGFRA-related conditions. ClinVar contains an entry for this variant (Variation ID: 844637). An algorithm developed to predict the effect of missense changes on protein structure and function (PolyPhen-2) suggests that this variant is likely to be tolerated. In summary, the available evidence is currently insufficient to determine the role of this variant in disease. Therefore, it has been classified as a Variant of Uncertain Significance.